The following is an entry in ClinVar:

NM_015338.6(ASXL1):c.3976C>G (p.Pro1326Ala)

Gene: ASXL1 (ASXL transcriptional regulator 1; plus strand). Cytogenetic location: 20q11.21.
Variant type: single nucleotide variant.
Coding change: c.3976C>G on transcript NM_015338.6 (MANE Select); coding-DNA position 3976, C replaced by G.
Protein change: p.Pro1326Ala; replaces proline 1326 with alanine.
Molecular consequence: missense variant.
Genome position (GRCh38, 1-based): chr20:32,436,688, C>G. VCF-style: chr20-32436688-C-G. GRCh37 (hg19) VCF-style: chr20-31024491-C-G.
Other names: c.3793C>G, p.Pro1265Ala (NM_001363734.1); short protein forms P1326A, P1265A.
Identifiers: ClinVar variation 5030414 (VCV005030414.1).

ClinVar aggregate classification (germline): Uncertain significance (1 of 4 stars; one submission).

Conditions:
Inborn genetic diseases. Identifiers: MedGen C0950123, MeSH D030342.

Submission:

Ambry Genetics
Classification: Uncertain significance for Inborn genetic diseases. Last evaluated: 2026-08-28. Review status: criteria provided, single submitter. Criteria: Ambry Variant Classification Scheme 2023. Collection method: clinical testing. Allele origin: germline.
Comment: The p.P1326A variant (also known as c.3976C>G), located in coding exon 13 of the ASXL1 gene, results from a C to G substitution at nucleotide position 3976. The proline at codon 1326 is replaced by alanine, an amino acid with highly similar properties. This amino acid position is conserved. In addition, this alteration is predicted to be tolerated by in silico analysis. Based on the available evidence, the clinical significance of this variant remains unclear.